The following is an entry in ClinVar:

NM_001111125.3(IQSEC2):c.659G>T (p.Gly220Val)

Gene: IQSEC2 (IQ motif and Sec7 domain ArfGEF 2; minus strand). Cytogenetic location: Xp11.22.
Variant type: single nucleotide variant.
Coding change: c.659G>T on transcript NM_001111125.3 (MANE Select); coding-DNA position 659, G replaced by T.
Protein change: p.Gly220Val; replaces glycine 220 with valine.
Molecular consequence: missense variant.
Genome position (GRCh38, 1-based): chrX:53,320,465, C>A on the plus strand (G>T on the coding strand, the complement: IQSEC2 is on the minus strand). VCF-style: chrX-53320465-C-A. GRCh37 (hg19) VCF-style: chrX-53349663-C-A.
Other names: short protein forms G220V.
Identifiers: ClinVar variation 839715 (VCV000839715.10), dbSNP rs2075417861, ClinGen allele CA413238877.

ClinVar aggregate classification (germline): Uncertain significance (1 of 4 stars; one submission).

Conditions:
Intellectual developmental disorder, X-linked 1. Also called: Atkin Flaitz Patil Smith syndrome; MENTAL RETARDATION, X-LINKED 18; MENTAL RETARDATION, X-LINKED 78; Intellectual disability, X-linked 1. Identifiers: Orphanet 777, MedGen C2931498, MONDO:0010656, OMIM 309530.

Submission:

Labcorp Genetics (formerly Invitae), Labcorp
Classification: Uncertain significance for Intellectual developmental disorder, X-linked 1. Last evaluated: 2019-10-18. Review status: criteria provided, single submitter. Criteria: Invitae Variant Classification Sherloc (09022015). Collection method: clinical testing. Allele origin: germline.
Comment: This variant is not present in population databases (ExAC no frequency). This sequence change replaces glycine with valine at codon 220 of the IQSEC2 protein (p.Gly220Val). The glycine residue is weakly conserved and there is a moderate physicochemical difference between glycine and valine. This variant has not been reported in the literature in individuals with IQSEC2-related conditions. In summary, the available evidence is currently insufficient to determine the role of this variant in disease. Therefore, it has been classified as a Variant of Uncertain Significance. Algorithms developed to predict the effect of missense changes on protein structure and function (SIFT, PolyPhen-2, Align-GVGD) all suggest that this variant is likely to be tolerated, but these predictions have not been confirmed by published functional studies and their clinical significance is uncertain.